The following is an entry in ClinVar:

ClinVar aggregate classification (germline): Uncertain significance (1 of 4 stars; one submission).

Conditions:
Neurodevelopmental disorder with hypotonia, stereotypic hand movements, and impaired language. Also called: Intellectual disability, autosomal dominant 20. Identifiers: Orphanet 228384, Orphanet 664410, MedGen C3150700, MONDO:0013266, OMIM 613443.

Allele frequency attached by ClinVar (database versions not stated): gnomAD exomes below 0.00001.
gnomAD v4.1: 1 of 1,613,258 alleles (0.000062%); highest among the groups gnomAD compares: Admixed American, 0.0017%; no homozygotes.

Submission:

Labcorp Genetics (formerly Invitae), Labcorp
Classification: Uncertain significance for Neurodevelopmental disorder with hypotonia, stereotypic hand movements, and impaired language. Last evaluated: 2022-11-26. Review status: criteria provided, single submitter. Criteria: Invitae Variant Classification Sherloc (09022015). Collection method: clinical testing. Allele origin: germline.
Comment: This sequence change replaces proline, which is neutral and non-polar, with serine, which is neutral and polar, at codon 229 of the MEF2C protein (p.Pro229Ser). This variant is present in population databases (no rsID available, gnomAD 0.003%). This variant has not been reported in the literature in individuals affected with MEF2C-related conditions. Advanced modeling of protein sequence and biophysical properties (such as structural, functional, and spatial information, amino acid conservation, physicochemical variation, residue mobility, and thermodynamic stability) performed at Invitae indicates that this missense variant is not expected to disrupt MEF2C protein function. In summary, the available evidence is currently insufficient to determine the role of this variant in disease. Therefore, it has been classified as a Variant of Uncertain Significance.

NM_002397.5(MEF2C):c.685C>T (p.Pro229Ser)

Gene: MEF2C (myocyte enhancer factor 2C; minus strand). Cytogenetic location: 5q14.3.
Variant type: single nucleotide variant.
Coding change: c.685C>T on transcript NM_002397.5 (MANE Select); coding-DNA position 685, C replaced by T.
Protein change: p.Pro229Ser; replaces proline 229 with serine.
Molecular consequence: missense variant.
Genome position (GRCh38, 1-based): chr5:88,731,854, G>A on the plus strand (C>T on the coding strand, the complement: MEF2C is on the minus strand). VCF-style: chr5-88731854-G-A. GRCh37 (hg19) VCF-style: chr5-88027671-G-A.
Other names: c.679C>T, p.Pro227Ser (NM_001131005.2, NM_001364343.2, NM_001364352.2); c.739C>T, p.Pro247Ser (NM_001193347.1, NM_001364338.2); c.541C>T, p.Pro181Ser (NM_001193348.1, NM_001193349.3, NM_001364344.2 and 3 more transcripts); c.685C>T, p.Pro229Ser (NM_001364336.2, NM_001364337.2, NM_001364339.2 and 18 more transcripts); c.307C>T, p.Pro103Ser (NM_001364356.2, NM_001364353.2); c.259C>T, p.Pro87Ser (NM_001364357.2); short protein forms P103S, P181S, P229S, P227S, P247S, P87S.
Identifiers: ClinVar variation 2816780 (VCV002816780.3), dbSNP rs1162864526, ClinGen allele CA360423432.